The following is an entry in ClinVar:

NM_198253.3(TERT):c.3032+64_3157+93del

Gene: TERT (telomerase reverse transcriptase; minus strand). Cytogenetic location: 5p15.33.
Variant type: Deletion.
Coding change: c.3032+64_3157+93del on transcript NM_198253.3 (MANE Select); 64 bases into the intron after coding-DNA position 3032 through 93 bases into the intron after coding-DNA position 3157, 3,341 bases deleted.
Molecular consequence: splice acceptor variant, splice donor variant.
Genome position (GRCh38, 1-based): chr5:1,255,194-1,258,534, 3,341 bases deleted. GRCh37 (hg19): chr5:1,255,312-1,258,652.
Other names: c.2843+64_2968+93del (NM_001193376.3).
Identifiers: ClinVar variation 5010150 (VCV005010150.1).

ClinVar aggregate classification (germline): Likely pathogenic (1 of 4 stars; one submission).

Conditions:
Pulmonary fibrosis and/or bone marrow failure, Telomere-related, 1. Also called: PULMONARY FIBROSIS AND/OR BONE MARROW FAILURE SYNDROME, TELOMERE-RELATED, 1. Identifiers: Orphanet 88, MedGen C3553617, MONDO:0013878, OMIM 614742.

Submission:

Molecular Genetics Laboratory, Motol Hospital
Classification: Likely pathogenic for Pulmonary fibrosis and/or bone marrow failure, Telomere-related, 1. Last evaluated: 2026-09-17. Review status: criteria provided, single submitter. Criteria: ACMG Guidelines, 2015. Collection method: clinical testing. Allele origin: germline. Inheritance: Sporadic. Affected: yes. Observed: 1 variant allele, 1 heterozygote.
Comment: A rare 3.3kb deletion of the exon 14 with the breakpoints in the adjacent introns, confirmed by Sanger sequencing. The deletion of the exon 14 and adjacent regions likely leads to the TERT gene haploinsufficiency. The laboratory findings confirmed the telomere shortening. The deletion is classified as likely pathogenic.

Literature cited by the submitters: PubMed 16284252; PubMed 18635888.